The following is an entry in ClinVar:

NM_001040108.2(MLH3):c.892T>C (p.Ser298Pro)

Gene: MLH3 (mutL homolog 3; minus strand). Cytogenetic location: 14q24.3.
Variant type: single nucleotide variant.
Coding change: c.892T>C on transcript NM_001040108.2 (MANE Select); coding-DNA position 892, T replaced by C.
Protein change: p.Ser298Pro; replaces serine 298 with proline.
Molecular consequence: missense variant.
Genome position (GRCh38, 1-based): chr14:75,048,764, A>G on the plus strand (T>C on the coding strand, the complement: MLH3 is on the minus strand). VCF-style: chr14-75048764-A-G. GRCh37 (hg19) VCF-style: chr14-75515467-A-G.
Other names: c.892T>C, p.Ser298Pro (NM_014381.3); short protein forms S298P.
Identifiers: ClinVar variation 2625656 (VCV002625656.2), dbSNP rs2139595738, ClinGen allele CA390448809.

ClinVar aggregate classification (germline): Uncertain significance (1 of 4 stars; one submission).

Submission:

Ambry Genetics
Classification: Uncertain significance. Last evaluated: 2023-07-30. Review status: criteria provided, single submitter. Criteria: Ambry Variant Classification Scheme 2023. Collection method: clinical testing. Allele origin: germline.
Comment: The p.S298P variant (also known as c.892T>C), located in coding exon 1 of the MLH3 gene, results from a T to C substitution at nucleotide position 892. The serine at codon 298 is replaced by proline, an amino acid with similar properties. This amino acid position is conserved. In addition, the in silico prediction for this alteration is inconclusive. Since supporting evidence is limited at this time, the clinical significance of this alteration remains unclear.